The following is an entry in ClinVar:

NM_005591.4(MRE11):c.1564-1G>A

Gene: MRE11 (MRE11 double strand break repair nuclease; minus strand). Cytogenetic location: 11q21.
Variant type: single nucleotide variant.
Coding change: c.1564-1G>A on transcript NM_005591.4 (MANE Select); the canonical splice acceptor site of the intron before coding-DNA position 1564, G replaced by A.
Molecular consequence: splice acceptor variant.
Genome position (GRCh38, 1-based): chr11:94,447,439, C>T on the plus strand (G>A on the coding strand, the complement: MRE11 is on the minus strand). VCF-style: chr11-94447439-C-T. GRCh37 (hg19) VCF-style: chr11-94180605-C-T.
Other names: c.1564-1G>A (NM_001330347.2, NM_005590.4).
Identifiers: ClinVar variation 1800421 (VCV001800421.2), dbSNP rs2496297949, ClinGen allele CA382368834.

ClinVar aggregate classification (germline): Likely pathogenic (1 of 4 stars; one submission).

Conditions:
Hereditary cancer-predisposing syndrome. Also called: Neoplastic Syndromes, Hereditary; Tumor predisposition; Hereditary Cancer Syndrome; Hereditary neoplastic syndrome. Identifiers: Orphanet 140162, MedGen C0027672, MeSH D009386, MONDO:0015356.

Submission:

Ambry Genetics
Classification: Likely pathogenic for Hereditary cancer-predisposing syndrome. Last evaluated: 2020-01-06. Review status: criteria provided, single submitter. Criteria: Ambry Variant Classification Scheme 2023. Collection method: clinical testing. Allele origin: germline.
Comment: The c.1564-1G>A intronic variant results from a G to A substitution one nucleotide upstream from coding exon 14 of the MRE11A gene. This nucleotide position is highly conserved in available vertebrate species. Using the BDGP and ESEfinder splice site prediction tools, this alteration is predicted to abolish the native splice acceptor site; however, direct evidence is unavailable. Alterations that disrupt the canonical splice site are expected to cause aberrant splicing, resulting in an abnormal protein or a transcript that is subject to nonsense-mediated mRNA decay. As such, this alteration is classified as likely pathogenic.